The following is an entry in ClinVar:

NM_000038.6(APC):c.2843C>G (p.Ser948Cys)

Gene: APC (APC regulator of Wnt signaling pathway; plus strand). Cytogenetic location: 5q22.2.
Variant type: single nucleotide variant.
Coding change: c.2843C>G on transcript NM_000038.6 (MANE Select); coding-DNA position 2843, C replaced by G.
Protein change: p.Ser948Cys; replaces serine 948 with cysteine.
Molecular consequence: missense variant.
Genome position (GRCh38, 1-based): chr5:112,838,437, C>G. VCF-style: chr5-112838437-C-G. GRCh37 (hg19) VCF-style: chr5-112174134-C-G.
Other names: c.2843C>G, p.Ser948Cys (NM_001127510.3, NM_001354895.2); c.2789C>G, p.Ser930Cys (NM_001127511.3); c.2897C>G, p.Ser966Cys (NM_001354896.2); c.2873C>G, p.Ser958Cys (NM_001354897.2); c.2768C>G, p.Ser923Cys (NM_001354898.2); c.2759C>G, p.Ser920Cys (NM_001354899.2); c.2720C>G, p.Ser907Cys (NM_001354900.2); c.2666C>G, p.Ser889Cys (NM_001354901.2); and 5 more; short protein forms S930C, S948C, S788C, S847C, S857C, S889C, S920C, S958C.
Identifiers: ClinVar variation 419294 (VCV000419294.16), dbSNP rs1064793776, ClinGen allele CA16027533.

ClinVar aggregate classification (germline): Uncertain significance. Review status: criteria provided, multiple submitters, no conflicts (2 of 4 stars). 4 submissions from 4 submitters: Uncertain significance (4). Last evaluated 2024-09-27.

Conditions:
Hereditary cancer-predisposing syndrome. Also called: Hereditary neoplastic syndrome; Tumor predisposition; Neoplastic Syndromes, Hereditary; Hereditary Cancer Syndrome. Identifiers: Orphanet 140162, MedGen C0027672, MeSH D009386, MONDO:0015356.
Familial adenomatous polyposis 1 (FAP1). Also called: FAMILIAL ADENOMATOUS POLYPOSIS 1, ATTENUATED; POLYPOSIS, ADENOMATOUS INTESTINAL. Identifiers: MedGen C2713442, MONDO:0021056, OMIM 175100. Disease mechanism: loss of function.

Allele frequency attached by ClinVar (database versions not stated): gnomAD 0.00001; gnomAD exomes 0.00001; TOPMed 0.00001.
gnomAD v4.1: 10 of 1,614,042 alleles (0.00062%); highest among the groups gnomAD compares: Non-Finnish European, 0.00085%; no homozygotes.

Submissions (4):

Labcorp Genetics (formerly Invitae), Labcorp
Classification: Uncertain significance for Familial adenomatous polyposis 1. Last evaluated: 2024-09-27. Review status: criteria provided, single submitter. Criteria: Invitae Variant Classification Sherloc (09022015). Collection method: clinical testing. Allele origin: germline.
Comment: This sequence change replaces serine, which is neutral and polar, with cysteine, which is neutral and slightly polar, at codon 948 of the APC protein (p.Ser948Cys). This variant is not present in population databases (gnomAD no frequency). This variant has not been reported in the literature in individuals affected with APC-related conditions. ClinVar contains an entry for this variant (Variation ID: 419294). Invitae Evidence Modeling of protein sequence and biophysical properties (such as structural, functional, and spatial information, amino acid conservation, physicochemical variation, residue mobility, and thermodynamic stability) indicates that this missense variant is not expected to disrupt APC protein function with a negative predictive value of 95%. RNA analysis performed to evaluate the impact of this missense change on mRNA splicing indicates it does not significantly alter splicing (internal data). In summary, the available evidence is currently insufficient to determine the role of this variant in disease. Therefore, it has been classified as a Variant of Uncertain Significance.

Ambry Genetics
Classification: Uncertain significance for Hereditary cancer-predisposing syndrome. Last evaluated: 2023-10-05. Review status: criteria provided, single submitter. Criteria: Ambry Variant Classification Scheme 2023. Collection method: clinical testing. Allele origin: germline.
Comment: The p.S948C variant (also known as c.2843C>G), located in coding exon 15 of the APC gene, results from a C to G substitution at nucleotide position 2843. The serine at codon 948 is replaced by cysteine, an amino acid with dissimilar properties. This amino acid position is poorly conserved in available vertebrate species. In addition, in silico predictors for this gene do not accurately predict pathogenicity. Since supporting evidence is limited at this time, the clinical significance of this alteration remains unclear.

Sema4
Classification: Uncertain significance for Hereditary cancer-predisposing syndrome. Last evaluated: 2022-03-17. Review status: criteria provided, single submitter. Criteria: Sema4 Curation Guidelines. Collection method: curation. Allele origin: germline.
Comment: The APC c.2843C>G (p.S948C) variant has not been reported in the literature to our knowledge. It was not observed in the large and broad cohorts of the Genome Aggregation Database (PMID: 32461654). This variant has been reported in ClinVar (Variation ID 419294). Functional studies have not been performed, and in silico predictions of the variant's effect on protein function are inconclusive. The evidence is insufficient to meet ACMG/AMP criteria for classifying the variant as benign or pathogenic. Thus, the clinical significance of this variant is currently uncertain.

GeneDx
Classification: Uncertain significance. Last evaluated: 2021-03-15. Review status: criteria provided, single submitter. Criteria: GeneDx Variant Classification Process June 2021. Collection method: clinical testing. Allele origin: germline. Affected: yes.
Comment: Not observed in large population cohorts (Lek et al., 2016); In silico analysis supports that this missense variant does not alter protein structure/function; Has not been previously published as pathogenic or benign to our knowledge; This variant is associated with the following publications: (PMID: 18477604)